The following is an entry in ClinVar:

NM_007294.4(BRCA1):c.1538A>C (p.His513Pro)

Gene: BRCA1 (BRCA1 DNA repair associated; minus strand). Cytogenetic location: 17q21.31.
Variant type: single nucleotide variant.
Coding change: c.1538A>C on transcript NM_007294.4 (MANE Select); coding-DNA position 1538, A replaced by C.
Protein change: p.His513Pro; replaces histidine 513 with proline.
Molecular consequence: missense variant. On other transcripts: intron variant (137).
Genome position (GRCh38, 1-based): chr17:43,093,993, T>G on the plus strand (A>C on the coding strand, the complement: BRCA1 is on the minus strand). VCF-style: chr17-43093993-T-G. GRCh37 (hg19) VCF-style: chr17-41246010-T-G.
Other names: c.451+751A>C (NM_001408508.1, NM_001408509.1); c.574+751A>C (NM_001408491.1, NM_001408493.1, NM_001408490.1); c.460+1853A>C (NM_001408506.1, NM_001408507.1); c.577+751A>C (NM_001408481.1, NM_001408480.1, NM_001408492.1 and 9 more transcripts); c.778+751A>C (NM_001408408.1); c.661+751A>C (NM_001408446.1, NM_001408435.1, NM_001408448.1 and 6 more transcripts); c.784+751A>C (NM_001408401.1, NM_001408396.1, NM_001407985.1 and 13 more transcripts); c.548-2961A>C (NM_001408494.1); and 40 more; short protein forms H385P, H402P, H424P, H466P, H472P, H486P, H217P, H386P.
Identifiers: ClinVar variation 1774749 (VCV001774749.4), dbSNP rs1356078500, ClinGen allele CA10598977.

ClinVar aggregate classification (germline): Conflicting classifications of pathogenicity. Review status: criteria provided, conflicting classifications (1 of 4 stars). 2 submissions from 2 submitters: Uncertain significance (1); Likely benign (1). Last evaluated 2023-03-23.

Conditions:
Hereditary cancer-predisposing syndrome. Also called: Hereditary Cancer Syndrome; Hereditary neoplastic syndrome; Neoplastic Syndromes, Hereditary; Tumor predisposition. Identifiers: Orphanet 140162, MedGen C0027672, MeSH D009386, MONDO:0015356.

gnomAD v4.1: 1 of 1,613,964 alleles (0.000062%); highest among the groups gnomAD compares: Non-Finnish European, 0.000085%; no homozygotes.

Submissions (2):

University of Washington Department of Laboratory Medicine, University of Washington
Classification: Likely benign for Hereditary cancer-predisposing syndrome. Last evaluated: 2023-03-23. Review status: criteria provided, single submitter. Criteria: Dines et al. (Genet Med. 2020). Collection method: curation. Allele origin: germline.
Comment: Missense variant in a coldspot region where missense variants are very unlikely to be pathogenic (PMID:31911673).

BRCA1 coldspot (exon 11 using historical exon numbering). Reclassification based on statistical prior probability

Ambry Genetics
Classification: Uncertain significance for Hereditary cancer-predisposing syndrome. Last evaluated: 2022-04-26. Review status: criteria provided, single submitter. Criteria: Ambry Variant Classification Scheme 2023. Collection method: clinical testing. Allele origin: germline.
Comment: The p.H513P variant (also known as c.1538A>C), located in coding exon 9 of the BRCA1 gene, results from an A to C substitution at nucleotide position 1538. The histidine at codon 513 is replaced by proline, an amino acid with similar properties. This amino acid position is conserved. In addition, the in silico prediction for this alteration is inconclusive. Since supporting evidence is limited at this time, the clinical significance of this alteration remains unclear.